The following is an entry in ClinVar:

ClinVar aggregate classification (germline): Likely pathogenic (1 of 4 stars; one submission).

Conditions:
Hereditary breast ovarian cancer syndrome. Also called: Hereditary breast and ovarian cancer; Hereditary breast and/or ovarian cancer syndrome; Breast and ovarian cancer; BRCA1- and BRCA2-Associated Hereditary Breast and Ovarian Cancer; Hereditary breast and ovarian cancer syndrome; Hereditary breast and ovarian cancer syndrome (HBOC). Identifiers: Orphanet 145, MedGen C0677776, MeSH D061325, MONDO:0003582. Disease mechanism: loss of function.

Submission:

Labcorp Genetics (formerly Invitae), Labcorp
Classification: Likely pathogenic for Hereditary breast ovarian cancer syndrome. Last evaluated: 2021-06-21. Review status: criteria provided, single submitter. Criteria: Invitae Variant Classification Sherloc (09022015). Collection method: clinical testing. Allele origin: germline.
Comment: This variant has not been reported in the literature in individuals with BRCA1-related conditions. In summary, the currently available evidence indicates that the variant is pathogenic, but additional data are needed to prove that conclusively. Therefore, this variant has been classified as Likely Pathogenic. This variant results in a copy number gain of the genomic region encompassing exon(s) 20-22 of the BRCA1 gene. While the exact position of this variant cannot be determined from the data, sub-genic copy number gains are generally in tandem (PMID: 25640679). This variant is predicted to be out-of-frame, and may result in an absent or disrupted protein product. Loss-of-function variants in BRCA1 are known to be pathogenic (PMID: 20104584).

Literature cited by the submitters: PubMed 25640679; PubMed 20104584.

NC_000017.10:g.(?_41199640)_(41203154_?)dup

Gene: BRCA1 (BRCA1 DNA repair associated; minus strand). Cytogenetic location: 17q21.31.
Variant type: Duplication.
Identifiers: ClinVar variation 1348493 (VCV001348493.7).